The following is an entry in ClinVar:

NM_005529.7(HSPG2):c.3543C>T (p.His1181=)

Gene: HSPG2 (heparan sulfate proteoglycan 2; minus strand). Cytogenetic location: 1p36.12.
Variant type: single nucleotide variant.
Coding change: c.3543C>T on transcript NM_005529.7 (MANE Select); coding-DNA position 3543, C replaced by T.
Protein change: p.His1181=; no amino-acid change (histidine 1181 retained).
Molecular consequence: synonymous variant.
Genome position (GRCh38, 1-based): chr1:21,874,519, G>A on the plus strand (C>T on the coding strand, the complement: HSPG2 is on the minus strand). VCF-style: chr1-21874519-G-A. GRCh37 (hg19) VCF-style: chr1-22201012-G-A.
Other names: c.3546C>T, p.His1182= (NM_001291860.2).
Identifiers: ClinVar variation 876625 (VCV000876625.18), dbSNP rs375029322, ClinGen allele CA672608.
Genomic context (GRCh38, chr1:21,874,519, plus strand): 5'-CCCCCGCTGGGCGTCCCCGTAGTATCCTGGCTGGCACTGCTCACACCGAGGGCCCTCCGT[G>A]TGATGCTGGCAGCCCTGGAGGAGCAGGATGTGAGTTGAGGCTGGGCCTCCAGAGGCCACA-3'
Protein context (NP_005520.4, residues 1171-1191): ETGACQGCQH[His1181=]TEGPRCEQCQ

ClinVar aggregate classification (germline): Conflicting classifications of pathogenicity. Review status: criteria provided, conflicting classifications (1 of 4 stars). 4 submissions from 3 submitters: Uncertain significance (2); Benign (1); Likely benign (1). Last evaluated 2025-10-03.

Conditions:
Lethal Kniest-like syndrome (DDSH). Also called: Dyssegmental Dysplasia. Identifiers: Orphanet 1865, MedGen C1857100, MONDO:0009140, OMIM 224410.
Schwartz-Jampel syndrome. Also called: Myotonic myopathy dwarfism chondrodystrophy and ocular and facial abnormalities. Identifiers: Orphanet 800, MedGen C0036391, MONDO:0009717.

Allele frequency attached by ClinVar (database versions not stated): gnomAD exomes 0.00016 and 0.00010; gnomAD 0.00011 and 0.00012; ExAC 0.00012; TOPMed 0.00012; ESP Exome Variant Server 0.00015.
gnomAD v4.1: 172 of 1,613,580 alleles (0.011%); highest among the groups gnomAD compares: Middle Eastern, 0.017%; no homozygotes.

Submissions (4):

Labcorp Genetics (formerly Invitae), Labcorp
Classification: Benign. Last evaluated: 2025-10-03. Review status: criteria provided, single submitter. Criteria: Invitae Variant Classification Sherloc (09022015). Collection method: clinical testing. Allele origin: germline.

CeGaT Center for Human Genetics Tuebingen
Classification: Likely benign. Last evaluated: 2025-03-01. Review status: criteria provided, single submitter. Criteria: CeGaT Center For Human Genetics Tuebingen Variant Classification Criteria Version 2. Collection method: clinical testing. Allele origin: germline. Affected: yes. Observed: 1 variant allele.
Comment: HSPG2: BP4, BP7

Illumina Laboratory Services, Illumina
Classification: Uncertain significance for Schwartz-Jampel syndrome type 1. Last evaluated: 2018-01-13. Review status: criteria provided, single submitter. Criteria: ICSL Variant Classification Criteria 13 December 2019. Collection method: clinical testing. Allele origin: germline.

Illumina Laboratory Services, Illumina
Classification: Uncertain significance for Lethal Kniest-like syndrome. Last evaluated: 2018-01-13. Review status: criteria provided, single submitter. Criteria: ICSL Variant Classification Criteria 13 December 2019. Collection method: clinical testing. Allele origin: germline.